The following is an entry in ClinVar:

NM_144670.6(A2ML1):c.1476+9G>A

Gene: A2ML1 (alpha-2-macroglobulin like 1; plus strand). Cytogenetic location: 12p13.31.
Variant type: single nucleotide variant.
Coding change: c.1476+9G>A on transcript NM_144670.6 (MANE Select); 9 bases into the intron after coding-DNA position 1476, G replaced by A.
Molecular consequence: intron variant.
Genome position (GRCh38, 1-based): chr12:8,843,370, G>A. VCF-style: chr12-8843370-G-A. GRCh37 (hg19) VCF-style: chr12-8995966-G-A.
Identifiers: ClinVar variation 384672 (VCV000384672.16), dbSNP rs7136813, ClinGen allele CA6435666.

ClinVar aggregate classification (germline): Benign/Likely benign. Review status: criteria provided, multiple submitters, no conflicts (2 of 4 stars). 7 submissions from 7 submitters: Benign (4); Likely benign (1). 2 of the submissions do not count toward it. Last evaluated 2026-02-04.

Allele frequency attached by ClinVar (database versions not stated): 1000 Genomes Project 0.24740; 1000 Genomes Project 30x 0.25062; gnomAD exomes 0.29232 and 0.33687; ExAC 0.30160; gnomAD 0.31706 and 0.32464; TOPMed 0.31818; ESP Exome Variant Server 0.34450.
gnomAD v4.1: 539,158 of 1,609,054 alleles (34%); highest among the groups gnomAD compares: Middle Eastern, 39%; 94,595 homozygotes.

Submissions (7):

Labcorp Genetics (formerly Invitae), Labcorp
Classification: Benign. Last evaluated: 2026-02-04. Review status: criteria provided, single submitter. Criteria: Invitae Variant Classification Sherloc (09022015). Collection method: clinical testing. Allele origin: germline.

Blueprint Genetics
Classification: Likely benign. Last evaluated: 2024-11-27. Review status: criteria provided, single submitter. Criteria: ACMG Guidelines, 2015. Collection method: clinical testing. Allele origin: germline.

Women's Health and Genetics/Laboratory Corporation of America, LabCorp
Classification: Benign. Last evaluated: 2017-07-07. Review status: criteria provided, single submitter. Criteria: LabCorp Variant Classification Summary - May 2015. Collection method: clinical testing. Allele origin: germline.
Comment: Variant summary: The A2ML1 c.1476+9G>A variant involves the alteration of a non-conserved intronic nucleotide. Mutation taster predicts a benign outcome for this variant. 4/5 splice prediction tools predict no significant impact on normal splicing. However, these predictions have yet to be confirmed by functional studies. This variant was found in 35390/117342 control chromosomes (5602 homozygotes) from ExAC at a frequency of 0.301597, which is approximately 75399 times the estimated maximal expected allele frequency of a pathogenic A2ML1 variant (0.000004), thus it is a benign common polymorphism. In addition, one clinical diagnostic laboratory has classified this variant as benign. It has also been published as non-pathogenic variant in literature (Vissers_2015). Taken together, this variant is classified as benign.

GeneDx
Classification: Benign. Last evaluated: 2016-09-29. Review status: criteria provided, single submitter. Criteria: GeneDx Variant Classification (06012015). Collection method: clinical testing. Allele origin: germline. Affected: yes.
Comment: This variant is considered likely benign or benign based on one or more of the following criteria: it is a conservative change, it occurs at a poorly conserved position in the protein, it is predicted to be benign by multiple in silico algorithms, and/or has population frequency not consistent with disease.

Breakthrough Genomics
Classification: Benign. Review status: criteria provided, single submitter. Criteria: ACMG Guidelines, 2015. Collection method: not provided. Allele origin: germline. Inheritance: Autosomal dominant inheritance. Affected: yes.

Clinical Genetics, Academic Medical Center
Classification: Benign. Review status: no assertion criteria provided. Collection method: clinical testing. Allele origin: germline. Affected: yes. Study: VKGL Data-share Consensus. Not counted in ClinVar's aggregate classification.

Joint Genome Diagnostic Labs from Nijmegen and Maastricht, Radboudumc and MUMC+
Classification: Benign. Review status: no assertion criteria provided. Collection method: clinical testing. Allele origin: germline. Affected: yes. Study: VKGL Data-share Consensus. Not counted in ClinVar's aggregate classification.